The following is an entry in ClinVar:

ClinVar aggregate classification (germline): Pathogenic. Review status: criteria provided, multiple submitters, no conflicts (2 of 4 stars). 15 submissions from 15 submitters: Pathogenic (13). 2 of the submissions do not count toward it. Last evaluated 2026-07-29.

Conditions:
ATP7B-related disorder. Also called: ATP7B-related condition.
Wilson disease (WND). Also called: Wilson's disease. Identifiers: Orphanet 905, MedGen C0019202, MONDO:0010200, OMIM 277900. Disease mechanism: loss of function.

Allele frequency attached by ClinVar (database versions not stated): gnomAD exomes 0.00001 and 0.00002; ExAC 0.00002; gnomAD 0.00002; TOPMed 0.00002.
gnomAD v4.1: 10 of 1,613,918 alleles (0.00062%); highest among the groups gnomAD compares: East Asian, 0.018%; no homozygotes.

Submissions 1 to 11 of 15:

PreventionGenetics, part of Exact Sciences
Classification: Pathogenic for ATP7B-related condition. Last evaluated: 2026-07-29. Review status: criteria provided, single submitter. Criteria: ACMG Guidelines, 2015. Collection method: clinical testing. Allele origin: germline.
Comment: The ATP7B c.2828G>A variant is predicted to result in the amino acid substitution p.Gly943Asp. This variant has been reported in individuals with Wilson disease (see for example, Table 1, Tsai et al. 1998. PubMed ID: 9829905; Table 1, Xiao et al. 2021. PubMed ID: 34324271; Table S4, Zhang et al. 2022. PubMed ID: 35220961) and has been shown to segregate with the disorder in three families (Figure 1, Mak et al. 2007. PubMed ID: 18034201). A functional study demonstrated that this variant reduces both protein expression and activity (Calvo et al. 2025. PubMed ID: 40661833). This variant is reported in 0.041% of alleles in individuals of East Asian descent in gnomAD and is consistently classified as pathogenic in ClinVar (Variation ID: 189058). This variant is interpreted as pathogenic.

Natera, Inc.
Classification: Pathogenic for Wilson disease. Last evaluated: 2025-08-19. Review status: criteria provided, single submitter. Criteria: Natera Variant Classification Schema (03/2026). Collection method: clinical testing. Allele origin: germline.
Comment: The c.2828G>A variant in ATP7B is a missense variant predicted to cause substitution of glycine to aspartic acid at amino acid 943. This variant is rare in the general population with a frequency below the threshold expected for the associated phenotype(s). This variant has been observed in one or more individuals affected with the associated recessive disease, as either homozygous or compound heterozygous with a second variant (PMID: 16603785, 34324271). Given the available evidence, this variant is classified as Pathogenic.

CeGaT Center for Human Genetics Tuebingen
Classification: Pathogenic. Last evaluated: 2025-08-01. Review status: criteria provided, single submitter. Criteria: CeGaT Center For Human Genetics Tuebingen Variant Classification Criteria Version 2. Collection method: clinical testing. Allele origin: germline. Affected: yes. Observed: 4 variant alleles.
Comment: ATP7B: PM3:Strong, PM1, PM2, PM5, PP3, PP4

Color Diagnostics, LLC DBA Color Health
Classification: Pathogenic for Wilson disease. Last evaluated: 2025-07-29. Review status: criteria provided, single submitter. Criteria: ACMG Guidelines, 2015. Collection method: clinical testing. Allele origin: germline.
Comment: This missense variant replaces glycine with aspartic acid at codon 943 of the ATP7B protein. This variant alters a conserved glycine residue in the transmembrane domain of the ATP7B protein, a highly conserved region that is considered to be important for ATP7B protein function (PMID: 35245129ClinVar). Computational prediction suggests that this variant may have deleterious impact on protein structure and function. This variant has been observed in multiple individuals affected with autosomal recessive Wilson disease in compound heterozygous and homozygous state (PMID: 16603785, 27022412, 27930511, 28212618). This variant has been identified in 8/280740 chromosomes in the general population by the Genome Aggregation Database (gnomAD). A different missense variant occurring at the same codon, p.Gly943Ser, is known to cause disease (ClinVar variation ID: 3856), indicating glycine at this position is important for ATP7B protein function. Based on the available evidence, this variant is classified as Pathogenic.

Labcorp Genetics (formerly Invitae), Labcorp
Classification: Pathogenic for Wilson disease. Last evaluated: 2025-05-22. Review status: criteria provided, single submitter. Criteria: Invitae Variant Classification Sherloc (09022015). Collection method: clinical testing. Allele origin: germline.
Comment: This sequence change replaces glycine, which is neutral and non-polar, with aspartic acid, which is acidic and polar, at codon 943 of the ATP7B protein (p.Gly943Asp). This variant is present in population databases (rs779323689, gnomAD 0.04%). This missense change has been observed in individual(s) with Wilson disease (PMID: 16603785, 27930511). In at least one individual the data is consistent with being in trans (on the opposite chromosome) from a pathogenic variant. It has also been observed to segregate with disease in related individuals. ClinVar contains an entry for this variant (Variation ID: 189058). Invitae Evidence Modeling of protein sequence and biophysical properties (such as structural, functional, and spatial information, amino acid conservation, physicochemical variation, residue mobility, and thermodynamic stability) indicates that this missense variant is expected to disrupt ATP7B protein function with a positive predictive value of 80%. This variant disrupts the p.Gly943 amino acid residue in ATP7B. Other variant(s) that disrupt this residue have been determined to be pathogenic (PMID: 7626145, 10942420, 11243728, 27022412). This suggests that this residue is clinically significant, and that variants that disrupt this residue are likely to be disease-causing. For these reasons, this variant has been classified as Pathogenic.

Revvity Omics, Revvity
Classification: Pathogenic for Wilson disease. Last evaluated: 2025-05-19. Review status: criteria provided, single submitter. Criteria: ACMG Guidelines, 2015. Collection method: clinical testing. Allele origin: germline.

3billion
Classification: Pathogenic for Wilson disease. Last evaluated: 2024-12-30. Review status: criteria provided, single submitter. Criteria: ACMG Guidelines, 2015. Collection method: clinical testing. Allele origin: germline. Affected: yes.
Comment: The variant is observed at an extremely low frequency in the gnomAD v4.1.0 dataset (total allele frequency: <0.001%). Predicted Consequence/Location: Missense variant. The majority of the known disease-causing variants of this gene are variants expected to result in premature termination of the protein. In silico tool predictions suggest damaging effect of the variant on gene or gene product [REVEL: 0.81 (>=0.6, sensitivity 0.68 and specificity 0.92); 3Cnet: 0.99 (>=0.6, sensitivity 0.72 and precision 0.9)]. The same nucleotide change resulting in the same amino acid change has been previously reported as pathogenic/likely pathogenic with strong evidence (ClinVar ID: VCV000189058 /PMID: 9829905). The variant has been reported to be in trans with a pathogenic variant as either compound heterozygous or homozygous in at least one similarly affected unrelated individual (PMID: 16603785). The variant has been reported to co-segregate with the disease in at least one similarly affected relative/individual in the same family or similarly affected unrelated family (PMID: 16603785). Different missense changes at the same codon (p.Gly943Arg, p.Gly943Cys, p.Gly943Ser) have been reported as pathogenic/likely pathogenic with strong evidence (ClinVar ID: VCV000003856, VCV003072174 /PMID: 16088907, 7626145). Therefore, this variant is classified as Pathogenic according to the recommendation of ACMG/AMP guideline.

Baylor Genetics
Classification: Pathogenic for Wilson disease. Last evaluated: 2024-02-20. Review status: criteria provided, single submitter. Criteria: ACMG Guidelines, 2015. Collection method: clinical testing. Allele origin: unknown.

Fulgent Genetics
Classification: Pathogenic for Wilson disease. Last evaluated: 2024-02-17. Review status: criteria provided, single submitter. Criteria: ACMG Guidelines, 2015. Collection method: clinical testing. Allele origin: germline.

Genome-Nilou Lab
Classification: Pathogenic for Wilson disease. Last evaluated: 2021-08-10. Review status: criteria provided, single submitter. Criteria: ACMG Guidelines, 2015. Collection method: clinical testing. Allele origin: germline. Affected: no.

Laboratory for Molecular Medicine, Mass General Brigham Personalized Medicine
Classification: Pathogenic for Wilson disease. Last evaluated: 2020-06-11. Review status: criteria provided, single submitter. Criteria: ACMG Guidelines, 2015. Collection method: clinical testing. Allele origin: germline.
Comment: The p.Gly943Asp variant in ATP7B has been reported in many individuals with Wilson disease (including at least 8 compound heterozygotes and 1 homozygote) and segregated in at least 3 affected relatives (Chen 2019, Dong 2016, Hua 2016, Lee 2011, Lee 2000, Li 2013, Liu 2004, Mak 2008, Mak 2006, Moller 2011, Panichareon 2011, Poon 2016, Simsek Papur 2013, Tsai 1998, Wang 2011, Yu 2017, Zhang 2016). Many of the individuals reported were of East Asian ancestry. This variant has also been identified in 0.04% (8/19532) of East Asian chromosomes by gnomAD; however, this frequency is low enough to be consistent with a recessive allele frequency. Computational prediction tools and conservation analyses suggest that this variant may impact the protein. In summary, this variant meets criteria to be classified as pathogenic for autosomal recessive Wilson disease. ACMG/AMP criteria applied: PM3_VeryStrong, PP1_Strong, PM2, PP3, PP4.

NM_000053.4(ATP7B):c.2828G>A (p.Gly943Asp)

Gene: ATP7B (ATPase copper transporting beta; minus strand). Cytogenetic location: 13q14.3.
Variant type: single nucleotide variant.
Coding change: c.2828G>A on transcript NM_000053.4 (MANE Select); coding-DNA position 2828, G replaced by A.
Protein change: p.Gly943Asp; replaces glycine 943 with aspartic acid.
Molecular consequence: missense variant. On other transcripts: intron variant (1).
Genome position (GRCh38, 1-based): chr13:51,949,699, C>T on the plus strand (G>A on the coding strand, the complement: ATP7B is on the minus strand). VCF-style: chr13-51949699-C-T. GRCh37 (hg19) VCF-style: chr13-52523835-C-T.
Other names: c.2495G>A, p.Gly832Asp (NM_001243182.2); c.2594G>A, p.Gly865Asp (NM_001330578.2); c.2576G>A, p.Gly859Asp (NM_001330579.2); c.2244+308G>A (NM_001005918.3); short protein forms G943D, G832D, G865D, G859D.
Identifiers: ClinVar variation 189058 (VCV000189058.56), dbSNP rs779323689, ClinGen allele CA274329.
Genomic context (GRCh38, chr13:51,949,699, plus strand): 5'-ATAGCCCAAGGCATTCAACTTACAGGAAAGTATCTCTGAACAACACCAAAATCGATAAAA[C>T]CGATTACAATCCATACCACCAACGTCAAAGTTGACATGATGATGATAAATGGGACAAAAT-3'
Protein context (NP_000044.2, residues 933-953): TLTLVVWIVI[Gly943Asp]FIDFGVVQRY